The following is an entry in ClinVar:

NM_006785.4(MALT1):c.82G>T (p.Ala28Ser)

Genes: MALT1 (MALT1 paracaspase; plus strand), MALT1-AS1 (MALT1 antisense RNA 1; minus strand), LOC130062586 (ATAC-STARR-seq lymphoblastoid silent region 9487; plus strand). Cytogenetic location: 18q21.32.
Variant type: single nucleotide variant.
Coding change: c.82G>T on transcript NM_006785.4 (MANE Select); coding-DNA position 82, G replaced by T.
Protein change: p.Ala28Ser; replaces alanine 28 with serine.
Molecular consequence: missense variant. On other transcripts: non-coding transcript variant (1).
Genome position (GRCh38, 1-based): chr18:58,671,725, G>T. VCF-style: chr18-58671725-G-T. GRCh37 (hg19) VCF-style: chr18-56338957-G-T.
Other names: c.82G>T, p.Ala28Ser (NM_173844.3); short protein forms A28S.
Identifiers: ClinVar variation 2168336 (VCV002168336.3), dbSNP rs1371809896, ClinGen allele CA402570748.
Genomic context (GRCh38, chr18:58,671,725, plus strand): 5'-CTACAGGCCCTGCCGCCCTCGGCCGCCCCCACGGGGCCGCTGCTCGCCCCTCCGGCCGGC[G>T]CGACCCTCAACCGCCTGCGGGAGCCGCTGCTGCGGAGGCTCAGCGAGCTCCTGGATCAGG-3'
Protein context (NP_006776.1, residues 18-38): TGPLLAPPAG[Ala28Ser]TLNRLREPLL

ClinVar aggregate classification (germline): Uncertain significance (1 of 4 stars; one submission).

Conditions:
Combined immunodeficiency due to MALT1 deficiency. Also called: Immunodeficiency 12. Identifiers: Orphanet 397964, MedGen C3809583, MONDO:0014197, OMIM 615468.

Allele frequency attached by ClinVar (database versions not stated): gnomAD exomes below 0.00001; gnomAD 0.00001; TOPMed 0.00002.
gnomAD v4.1: 5 of 1,281,038 alleles (0.00039%); highest among the groups gnomAD compares: Admixed American, 0.0074%; no homozygotes.

Submission:

Labcorp Genetics (formerly Invitae), Labcorp
Classification: Uncertain significance for Combined immunodeficiency due to MALT1 deficiency. Last evaluated: 2024-10-23. Review status: criteria provided, single submitter. Criteria: Invitae Variant Classification Sherloc (09022015). Collection method: clinical testing. Allele origin: germline.
Comment: This sequence change replaces alanine, which is neutral and non-polar, with serine, which is neutral and polar, at codon 28 of the MALT1 protein (p.Ala28Ser). This variant is not present in population databases (gnomAD no frequency). This variant has not been reported in the literature in individuals affected with MALT1-related conditions. ClinVar contains an entry for this variant (Variation ID: 2168336). An algorithm developed to predict the effect of missense changes on protein structure and function (PolyPhen-2) suggests that this variant is likely to be disruptive. In summary, the available evidence is currently insufficient to determine the role of this variant in disease. Therefore, it has been classified as a Variant of Uncertain Significance.